The following is an entry in ClinVar:

ClinVar aggregate classification (germline): Conflicting classifications of pathogenicity. Review status: criteria provided, conflicting classifications (1 of 4 stars). 4 submissions from 4 submitters: Likely pathogenic (1); Uncertain significance (3). Last evaluated 2024-06-27.

Conditions:
Autoinflammatory syndrome. Identifiers: Orphanet 93665, MedGen C3890737, MONDO:0019751.
Deficiency of adenosine deaminase 2. Also called: Polyarteritis nodosa, childhoood-onset; Adenosine Deaminase 2 Deficiency; VASCULITIS, AUTOINFLAMMATION, IMMUNODEFICIENCY, AND HEMATOLOGIC DEFECTS SYNDROME. Identifiers: Orphanet 404553, MedGen C3887654, MONDO:0014306, OMIM 615688, MONDO:0100317.
Sneddon syndrome (SNDNS). Also called: LIVEDO RETICULARIS AND CEREBROVASCULAR ACCIDENTS; Idiopathic livedo reticularis with systemic involvement. Identifiers: Orphanet 820, MedGen C0282492, MONDO:0008436, OMIM 182410.

Allele frequency attached by ClinVar (database versions not stated): TOPMed below 0.00001; ExAC 0.00001; gnomAD exomes 0.00002.

Submissions (4):

Blueprint Genetics
Classification: Uncertain significance. Last evaluated: 2024-06-27. Review status: criteria provided, single submitter. Criteria: ACMG Guidelines, 2015. Collection method: clinical testing. Allele origin: germline.

Fulgent Genetics
Classification: Likely pathogenic for Sneddon syndrome; Deficiency of adenosine deaminase 2. Last evaluated: 2024-02-24. Review status: criteria provided, single submitter. Criteria: ACMG Guidelines, 2015. Collection method: clinical testing. Allele origin: germline.

Labcorp Genetics (formerly Invitae), Labcorp
Classification: Uncertain significance for Deficiency of adenosine deaminase 2. Last evaluated: 2021-03-25. Review status: criteria provided, single submitter. Criteria: Invitae Variant Classification Sherloc (09022015). Collection method: clinical testing. Allele origin: germline.
Comment: In summary, the available evidence is currently insufficient to determine the role of this variant in disease. Therefore, it has been classified as a Variant of Uncertain Significance. Algorithms developed to predict the effect of missense changes on protein structure and function are either unavailable or do not agree on the potential impact of this missense change (SIFT: "Deleterious"; PolyPhen-2: "Probably Damaging"; Align-GVGD: "Class C0"). This variant has not been reported in the literature in individuals with ADA2-related conditions. This variant is present in population databases (rs747107966, ExAC 0.002%). This sequence change replaces proline with serine at codon 106 of the ADA2 protein (p.Pro106Ser). The proline residue is highly conserved and there is a moderate physicochemical difference between proline and serine.

Genome Diagnostics Laboratory, The Hospital for Sick Children
Classification: Uncertain significance for Autoinflammatory syndrome. Last evaluated: 2017-12-11. Review status: criteria provided, single submitter. Criteria: ACMG Guidelines, 2015. Collection method: clinical testing. Allele origin: germline. Affected: yes.

NM_001282225.2(ADA2):c.316C>T (p.Pro106Ser)

Gene: ADA2 (adenosine deaminase 2; minus strand). Cytogenetic location: 22q11.1.
Variant type: single nucleotide variant.
Coding change: c.316C>T on transcript NM_001282225.2 (MANE Select); coding-DNA position 316, C replaced by T.
Protein change: p.Pro106Ser; replaces proline 106 with serine.
Molecular consequence: missense variant. On other transcripts: intron variant (1).
Genome position (GRCh38, 1-based): chr22:17,209,362, G>A on the plus strand (C>T on the coding strand, the complement: ADA2 is on the minus strand). VCF-style: chr22-17209362-G-A. GRCh37 (hg19) VCF-style: chr22-17690252-G-A.
Other names: c.316C>T, p.Pro106Ser (NM_001282226.2); c.190C>T, p.Pro64Ser (NM_001282227.2, NM_001282228.2); c.-38-2072C>T (NM_001282229.2); short protein forms P106S, P64S.
Identifiers: ClinVar variation 1349847 (VCV001349847.11), dbSNP rs747107966, ClinGen allele CA10088282.
Genomic context (GRCh38, chr22:17,209,362, plus strand): 5'-AGATGAGTCCCTCTACCTTCCCAGCACCCCAAGCCACCCCTTTCCAAACCTTACCTTTTG[G>A]CATCATCCTTAGAATATTAAACACTTGACTTCTCTCAATGAGATGCTTGGCCTGGAAAAA-3'
Protein context (NP_001269154.1, residues 96-116): SQVFNILRMM[Pro106Ser]KGAALHLHDI